The following is an entry in ClinVar:

ClinVar aggregate classification (germline): Conflicting classifications of pathogenicity. Review status: criteria provided, conflicting classifications (1 of 4 stars). 2 submissions from 2 submitters: Uncertain significance (1); Likely benign (1). Last evaluated 2025-10-13.

Conditions:
ZBTB18-related disorder. Also called: ZBTB18-related condition.

Allele frequency attached by ClinVar (database versions not stated): ExAC 0.00001; ESP Exome Variant Server 0.00008.
gnomAD v4.1: 7 of 1,613,996 alleles (0.00043%); highest among the groups gnomAD compares: Non-Finnish European, 0.00051%; no homozygotes.

Submissions (2):

Labcorp Genetics (formerly Invitae), Labcorp
Classification: Likely benign. Last evaluated: 2025-10-13. Review status: criteria provided, single submitter. Criteria: Invitae Variant Classification Sherloc (09022015). Collection method: clinical testing. Allele origin: germline.

PreventionGenetics, part of Exact Sciences
Classification: Uncertain significance for ZBTB18-related condition. Last evaluated: 2023-07-31. Review status: criteria provided, single submitter. Criteria: ACMG Guidelines, 2015. Collection method: clinical testing. Allele origin: germline.
Comment: The ZBTB18 c.440C>G variant is predicted to result in the amino acid substitution p.Ser147Trp. To our knowledge, this variant has not been reported in the literature or in a large population database, indicating this variant is rare. At this time, the clinical significance of this variant is uncertain due to the absence of conclusive functional and genetic evidence.

NM_205768.3(ZBTB18):c.440C>G (p.Ser147Trp)

Gene: ZBTB18 (zinc finger and BTB domain containing 18; plus strand). Cytogenetic location: 1q44.
Variant type: single nucleotide variant.
Coding change: c.440C>G on transcript NM_205768.3 (MANE Select); coding-DNA position 440, C replaced by G.
Protein change: p.Ser147Trp; replaces serine 147 with tryptophan.
Molecular consequence: missense variant.
Genome position (GRCh38, 1-based): chr1:244,054,214, C>G. VCF-style: chr1-244054214-C-G. GRCh37 (hg19) VCF-style: chr1-244217516-C-G.
Other names: c.413C>G, p.Ser138Trp (NM_001278196.2, NM_006352.5); c.440C>G, p.Ser147Trp (NM_001421566.1); short protein forms S138W, S147W.
Identifiers: ClinVar variation 2635947 (VCV002635947.2), dbSNP rs372007689, ClinGen allele CA1484297.